The following is an entry in ClinVar:

ClinVar aggregate classification (germline): Uncertain significance (1 of 4 stars; one submission).

Conditions:
Dyskeratosis congenita. Identifiers: Orphanet 1775, MedGen C0265965, MONDO:0015780.

Allele frequency attached by ClinVar (database versions not stated): gnomAD exomes below 0.00001.

Submission:

Labcorp Genetics (formerly Invitae), Labcorp
Classification: Uncertain significance for Dyskeratosis congenita. Last evaluated: 2023-10-07. Review status: criteria provided, single submitter. Criteria: Invitae Variant Classification Sherloc (09022015). Collection method: clinical testing. Allele origin: germline.
Comment: This sequence change replaces leucine, which is neutral and non-polar, with proline, which is neutral and non-polar, at codon 1037 of the CTC1 protein (p.Leu1037Pro). This variant is not present in population databases (gnomAD no frequency). This variant has not been reported in the literature in individuals affected with CTC1-related conditions. Advanced modeling of protein sequence and biophysical properties (such as structural, functional, and spatial information, amino acid conservation, physicochemical variation, residue mobility, and thermodynamic stability) performed at Invitae indicates that this missense variant is expected to disrupt CTC1 protein function. In summary, the available evidence is currently insufficient to determine the role of this variant in disease. Therefore, it has been classified as a Variant of Uncertain Significance.

NM_025099.6(CTC1):c.3110T>C (p.Leu1037Pro)

Gene: CTC1 (CST telomere replication complex component 1; minus strand). Cytogenetic location: 17p13.1.
Variant type: single nucleotide variant.
Coding change: c.3110T>C on transcript NM_025099.6 (MANE Select); coding-DNA position 3110, T replaced by C.
Protein change: p.Leu1037Pro; replaces leucine 1037 with proline.
Molecular consequence: missense variant. On other transcripts: non-coding transcript variant (1).
Genome position (GRCh38, 1-based): chr17:8,229,348, A>G on the plus strand (T>C on the coding strand, the complement: CTC1 is on the minus strand). VCF-style: chr17-8229348-A-G. GRCh37 (hg19) VCF-style: chr17-8132666-A-G.
Other names: c.3110T>C, p.Leu1037Pro (NM_001411067.1); short protein forms L1037P.
Identifiers: ClinVar variation 2766761 (VCV002766761.3), dbSNP rs2507870268, ClinGen allele CA397971736.
Genomic context (GRCh38, chr17:8,229,348, plus strand): 5'-CTTCCCTCCCTTACCTGCCGGCAGATGCTGGTACAATAAGCACACACCCAGAAGAGCTGA[A>G]GGCTGAAGACAGAGACGATATGGCAAGAGGCAGTGGCCTGGAATGGGGACTGACCACCCT-3'
Protein context (NP_079375.3, residues 1027-1047): ASCHIVSVFS[Leu1037Pro]QLFWVCAYCT